The following is an entry in ClinVar:

NM_001042492.3(NF1):c.3921T>G (p.Ile1307Met)

Gene: NF1 (neurofibromin 1; plus strand). Cytogenetic location: 17q11.2.
Variant type: single nucleotide variant.
Coding change: c.3921T>G on transcript NM_001042492.3 (MANE Select); coding-DNA position 3921, T replaced by G.
Protein change: p.Ile1307Met; replaces isoleucine 1307 with methionine.
Molecular consequence: missense variant.
Genome position (GRCh38, 1-based): chr17:31,235,968, T>G. VCF-style: chr17-31235968-T-G. GRCh37 (hg19) VCF-style: chr17-29562986-T-G.
Other names: c.3921T>G, p.Ile1307Met (NM_000267.4); short protein forms I1307M.
Identifiers: ClinVar variation 234032 (VCV000234032.13), dbSNP rs876660805, ClinGen allele CA10580300.

ClinVar aggregate classification (germline): Uncertain significance. Review status: criteria provided, multiple submitters, no conflicts (2 of 4 stars). 4 submissions from 4 submitters: Uncertain significance (4). Last evaluated 2025-09-10.

Conditions:
Hereditary cancer-predisposing syndrome. Also called: Tumor predisposition; Hereditary Cancer Syndrome; Hereditary neoplastic syndrome; Neoplastic Syndromes, Hereditary. Identifiers: Orphanet 140162, MedGen C0027672, MeSH D009386, MONDO:0015356.
Neurofibromatosis, type 1 (NF1). Also called: VON RECKLINGHAUSEN DISEASE; NEUROFIBROMATOSIS, TYPE I, SOMATIC; Peripheral type neurofibromatosis; Neurofibromatosis, type I. Identifiers: Orphanet 636, MedGen C0027831, MONDO:0018975, OMIM 162200. Disease mechanism: loss of function.
Juvenile myelomonocytic leukemia (JMML). Also called: LEUKEMIA, JUVENILE MYELOMONOCYTIC, SOMATIC. Identifiers: Orphanet 86834, MedGen C0349639, MONDO:0011908, OMIM 607785, HP:0012209.

Allele frequency attached by ClinVar (database versions not stated): gnomAD exomes below 0.00001.
gnomAD v4.1: 1 of 1,614,130 alleles (0.000062%); highest among the groups gnomAD compares: Non-Finnish European, 0.000085%; no homozygotes.

Submissions (4):

Labcorp Genetics (formerly Invitae), Labcorp
Classification: Uncertain significance for Neurofibromatosis, type 1. Last evaluated: 2025-09-10. Review status: criteria provided, single submitter. Criteria: Invitae Variant Classification Sherloc (09022015). Collection method: clinical testing. Allele origin: germline.
Comment: This sequence change replaces isoleucine, which is neutral and non-polar, with methionine, which is neutral and non-polar, at codon 1307 of the NF1 protein (p.Ile1307Met). This variant is not present in population databases (gnomAD no frequency). This variant has not been reported in the literature in individuals affected with NF1-related conditions. ClinVar contains an entry for this variant (Variation ID: 234032). Invitae Evidence Modeling of protein sequence and biophysical properties (such as structural, functional, and spatial information, amino acid conservation, physicochemical variation, residue mobility, and thermodynamic stability) indicates that this missense variant is not expected to disrupt NF1 protein function with a negative predictive value of 95%. In summary, the available evidence is currently insufficient to determine the role of this variant in disease. Therefore, it has been classified as a Variant of Uncertain Significance.

Baylor Genetics
Classification: Uncertain significance for Juvenile myelomonocytic leukemia. Last evaluated: 2023-07-04. Review status: criteria provided, single submitter. Criteria: ACMG Guidelines, 2015. Collection method: clinical testing. Allele origin: unknown.

Genome-Nilou Lab
Classification: Uncertain significance for Neurofibromatosis, type 1. Last evaluated: 2022-03-15. Review status: criteria provided, single submitter. Criteria: ACMG Guidelines, 2015. Collection method: clinical testing. Allele origin: germline. Affected: no.

Ambry Genetics
Classification: Uncertain significance for Hereditary cancer-predisposing syndrome. Last evaluated: 2015-09-24. Review status: criteria provided, single submitter. Criteria: Ambry Autosomal Dominant and X-Linked criteria (10/2015). Collection method: clinical testing. Allele origin: germline. Observed: 1 variant allele.
Comment: The p.I1307M variant (also known as c.3921T>G), located in coding exon 29 of the NF1 gene, results from a T to G substitution at nucleotide position 3921. The isoleucine at codon 1307 is replaced by methionine, an amino acid with highly similar properties. This variant was not reported in population based cohorts in the following databases: Database of Single Nucleotide Polymorphisms (dbSNP), NHLBI Exome Sequencing Project (ESP), and 1000 Genomes Project. In the ESP, this variant was not observed in 6503 samples (13006 alleles) with coverage at this position. To date, this alteration has been detected with an allele frequency of approximately 0.002% (greater than 55000alleles tested) in our clinical cohort.This amino acid position is not well conserved in available vertebrate species. In addition, this alteration is predicted to be tolerated by in silico analysis.Since supporting evidence is limited at this time, the clinical significance of p.I1307M remains unclear.